The following is an entry in ClinVar:

NM_000191.3(HMGCL):c.122G>A (p.Arg41Gln)

Gene: HMGCL (3-hydroxy-3-methylglutaryl-CoA lyase; minus strand). Cytogenetic location: 1p36.11.
Variant type: single nucleotide variant.
Coding change: c.122G>A on transcript NM_000191.3 (MANE Select); coding-DNA position 122, G replaced by A.
Protein change: p.Arg41Gln; replaces arginine 41 with glutamine.
Molecular consequence: missense variant.
Genome position (GRCh38, 1-based): chr1:23,820,532, C>T on the plus strand (G>A on the coding strand, the complement: HMGCL is on the minus strand). VCF-style: chr1-23820532-C-T. GRCh37 (hg19) VCF-style: chr1-24147022-C-T.
Other names: c.122G>A, p.Arg41Gln (NM_001166059.2); short protein forms R41Q.
Identifiers: ClinVar variation 11957 (VCV000011957.36), dbSNP rs121964997, ClinGen allele CA220476.

ClinVar aggregate classification (germline): Pathogenic. Review status: criteria provided, multiple submitters, no conflicts (2 of 4 stars). 16 submissions from 16 submitters: Pathogenic (10). 6 of the submissions do not count toward it. Last evaluated 2025-02-21.

Conditions:
Long chain 3-hydroxyacyl-CoA dehydrogenase deficiency. Also called: LCHAD Deficiency; Deficiency of long-chain 3-hydroxyacyl-coenzyme A dehydrogenase. Identifiers: Orphanet 5, MedGen C3711645, MONDO:0012173, OMIM 609016.
Deficiency of hydroxymethylglutaryl-CoA lyase (HMGCLD). Also called: HMG-CoA LYASE DEFICIENCY; HMGCL DEFICIENCY; HYDROXYMETHYLGLUTARIC ACIDURIA; Defect in leucine metabolism; 3-hydroxy-3-methylglutaric aciduria. Identifiers: Orphanet 20, MedGen C1533587, MONDO:0009520, OMIM 246450.

Allele frequency attached by ClinVar (database versions not stated): gnomAD exomes 0.00002 and 0.00007; ExAC 0.00002; gnomAD 0.00005 and 0.00004; TOPMed 0.00002.

Submissions (16):

3billion
Classification: Pathogenic for Deficiency of hydroxymethylglutaryl-CoA lyase. Last evaluated: 2025-02-21. Review status: criteria provided, single submitter. Criteria: ACMG Guidelines, 2015. Collection method: clinical testing. Allele origin: germline. Affected: yes.
Comment: The variant is observed at an extremely low frequency in the gnomAD v4.1.0 dataset (total allele frequency: 0.007%). Predicted Consequence/Location: Missense variant. The majority of the known disease-causing variants of this gene are variants expected to result in premature termination of the protein. Functional studies provide strong evidence of the variant having a damaging effect on the gene or gene product (PMID: 15122894). In silico tool predictions suggest damaging effect of the variant on gene or gene product [REVEL: 0.96 (>=0.6, sensitivity 0.68 and specificity 0.92); 3Cnet: 0.96 (>=0.6, sensitivity 0.72 and precision 0.9)]. The same nucleotide change resulting in the same amino acid change has been previously reported as pathogenic/likely pathogenic with strong evidence (ClinVar ID: VCV000011957 /PMID: 9463337). The variant has been observed in multiple (>3) similarly affected unrelated individuals (PMID: 28488182, 9463337). Therefore, this variant is classified as Pathogenic according to the recommendation of ACMG/AMP guideline.

Revvity Omics, Revvity
Classification: Pathogenic for Deficiency of hydroxymethylglutaryl-CoA lyase. Last evaluated: 2025-02-12. Review status: criteria provided, single submitter. Criteria: ACMG Guidelines, 2015. Collection method: clinical testing. Allele origin: germline.

Labcorp Genetics (formerly Invitae), Labcorp
Classification: Pathogenic for Deficiency of hydroxymethylglutaryl-CoA lyase. Last evaluated: 2024-07-05. Review status: criteria provided, single submitter. Criteria: Invitae Variant Classification Sherloc (09022015). Collection method: clinical testing. Allele origin: germline.
Comment: This sequence change replaces arginine, which is basic and polar, with glutamine, which is neutral and polar, at codon 41 of the HMGCL protein (p.Arg41Gln). This variant is present in population databases (rs121964997, gnomAD 0.01%). This missense change has been observed in individual(s) with 3HMG-CoA Lyase deficiency (PMID: 9463337, 14518825, 17173698, 28488182). ClinVar contains an entry for this variant (Variation ID: 11957). Advanced modeling of protein sequence and biophysical properties (such as structural, functional, and spatial information, amino acid conservation, physicochemical variation, residue mobility, and thermodynamic stability) performed at Invitae indicates that this missense variant is expected to disrupt HMGCL protein function with a positive predictive value of 80%. Experimental studies have shown that this missense change affects HMGCL function (PMID: 9463337, 15122894). For these reasons, this variant has been classified as Pathogenic.

Fulgent Genetics
Classification: Pathogenic for Deficiency of hydroxymethylglutaryl-CoA lyase. Last evaluated: 2024-03-21. Review status: criteria provided, single submitter. Criteria: ACMG Guidelines, 2015. Collection method: clinical testing. Allele origin: germline.

Genomic Medicine Center of Excellence, King Faisal Specialist Hospital and Research Centre
Classification: Pathogenic for Deficiency of hydroxymethylglutaryl-CoA lyase. Last evaluated: 2024-03-17. Review status: criteria provided, single submitter. Criteria: ACMG Guidelines, 2015. Collection method: research. Allele origin: germline.

Genome-Nilou Lab
Classification: Pathogenic for Deficiency of hydroxymethylglutaryl-CoA lyase. Last evaluated: 2023-04-11. Review status: criteria provided, single submitter. Criteria: ACMG Guidelines, 2015. Collection method: clinical testing. Allele origin: germline. Affected: no.

GeneDx
Classification: Pathogenic. Last evaluated: 2020-06-01. Review status: criteria provided, single submitter. Criteria: GeneDx Variant Classification Process June 2021. Collection method: clinical testing. Allele origin: germline. Affected: yes.
Comment: Functional studies found that R41Q is associated with significantly diminished 3-hydroxy-3-methylglutaryl-CoA lyase activity compared to wild-type (PMID: 15122894); In silico analysis supports that this missense variant has a deleterious effect on protein structure/function; Not observed at significant frequency in large population cohorts (gnomAD); This variant is associated with the following publications: (PMID: 25525159, 24969942, 9463337, 17173698, 14518825, 28488182, 29427439, 31589614, 33996180, 35646072, 17692550, 15122894)

Women's Health and Genetics/Laboratory Corporation of America, LabCorp
Classification: Pathogenic for Deficiency of hydroxymethylglutaryl-CoA lyase. Last evaluated: 2018-03-08. Review status: criteria provided, single submitter. Criteria: LabCorp Variant Classification Summary - May 2015. Collection method: clinical testing. Allele origin: germline.
Comment: Variant summary: HMGCL c.122G>A (p.Arg41Gln) results in a conservative amino acid change located in the Pyruvate carboxyltransferase of the encoded protein sequence. Four of five in-silico tools predict a damaging effect of the variant on protein function. However, these predictions have yet to be functionally assessed. The variant, c.122G>A, has been reported in the literature in multiple individuals affected with HMG-CoA Lyase Deficiency and has been indicated to be a Saudi Arabian founder mutation (Al-Sayed_2006) . These data indicate that the variant is very likely to be associated with disease. A clinical diagnostic laboratory classifies the variant as "pathogenic." Based on the evidence outlined above, the variant was classified as pathogenic.

Eurofins Ntd Llc (ga)
Classification: Pathogenic. Last evaluated: 2013-01-18. Review status: criteria provided, single submitter. Criteria: EGL Classification Definitions 2015. Collection method: clinical testing. Allele origin: germline. Observed: 7 variant alleles, 7 heterozygotes, 1 homozygote.

Pathology and Clinical Laboratory Medicine, King Fahad Medical City
Classification: Pathogenic for Deficiency of hydroxymethylglutaryl-CoA lyase. Review status: criteria provided, single submitter. Criteria: ACMG Guidelines, 2015. Collection method: clinical testing. Allele origin: germline. Affected: yes. Observed: 12 variant alleles.

Natera, Inc.
Classification: Pathogenic for Deficiency of long-chain 3-hydroxyacyl-coenzyme A dehydrogenase. Last evaluated: 2020-10-13. Review status: no assertion criteria provided. Collection method: clinical testing. Allele origin: germline. Not counted in ClinVar's aggregate classification.

Biochemical Molecular Genetic Laboratory, King Abdulaziz Medical City
Classification: Pathogenic for Deficiency of hydroxymethylglutaryl-CoA lyase. Last evaluated: 2019-08-25. Review status: no assertion criteria provided. Collection method: clinical testing. Allele origin: germline. Affected: yes. Not counted in ClinVar's aggregate classification.

Counsyl
Classification: Pathogenic for Deficiency of hydroxymethylglutaryl-CoA lyase. Last evaluated: 2017-03-08. Review status: no assertion criteria provided. Collection method: clinical testing. Allele origin: unknown. Not counted in ClinVar's aggregate classification.

OMIM
Classification: Pathogenic for HMG-CoA LYASE DEFICIENCY. Last evaluated: 1998-02-01. Review status: no assertion criteria provided. Collection method: literature only. Allele origin: germline. Not counted in ClinVar's aggregate classification.

Diagnostic Laboratory, Department of Genetics, University Medical Center Groningen
Classification: Pathogenic. Review status: no assertion criteria provided. Collection method: clinical testing. Allele origin: germline. Affected: yes. Study: VKGL Data-share Consensus. Not counted in ClinVar's aggregate classification.

Joint Genome Diagnostic Labs from Nijmegen and Maastricht, Radboudumc and MUMC+
Classification: Likely pathogenic. Review status: no assertion criteria provided. Collection method: clinical testing. Allele origin: germline. Affected: yes. Study: VKGL Data-share Consensus. Not counted in ClinVar's aggregate classification.

Literature cited by the submitters: PubMed 15122894 (cited by 3billion and Labcorp Genetics (formerly Invitae), Labcorp); PubMed 28488182 (cited by 3billion and Labcorp Genetics (formerly Invitae), Labcorp); PubMed 9463337 (cited by 4 submitters); PubMed 14518825 (cited by Labcorp Genetics (formerly Invitae), Labcorp); PubMed 17173698 (cited by 3 submitters).